The following is an entry in ClinVar:

NM_003442.6(ZNF143):c.897T>C (p.Cys299=)

Gene: ZNF143 (zinc finger protein 143; plus strand). Cytogenetic location: 11p15.4.
Variant type: single nucleotide variant.
Coding change: c.897T>C on transcript NM_003442.6 (MANE Select); coding-DNA position 897, T replaced by C.
Protein change: p.Cys299=; no amino-acid change (cysteine 299 retained).
Molecular consequence: synonymous variant.
Genome position (GRCh38, 1-based): chr11:9,497,730, T>C. VCF-style: chr11-9497730-T-C. GRCh37 (hg19) VCF-style: chr11-9519277-T-C.
Other names: c.894T>C, p.Cys298= (NM_001282656.2); c.804T>C, p.Cys268= (NM_001282657.2).
Identifiers: ClinVar variation 5001909 (VCV005001909.1).
Genomic context (GRCh38, chr11:9,497,730, plus strand): 5'-TAAAGGTTATGGATTAAAAAGTCACGTCAGAACTCATACAGGAGAAAAGCCATATCGGTG[T>C]TCGGAAGATAATTGTACTAAATCTTTCAAAACTTCAGGAGATCTACAGAAACACATCAGA-3'
Protein context (NP_003433.3, residues 289-309): RTHTGEKPYR[Cys299=]SEDNCTKSFK

ClinVar aggregate classification (germline): Likely benign (1 of 4 stars; one submission).

Conditions:
ZNF143-related disorder. Also called: ZNF143-related condition.

gnomAD v4.1: 4 of 1,611,068 alleles (0.00025%); highest among the groups gnomAD compares: South Asian, 0.0044%; no homozygotes.

Submission:

PreventionGenetics, part of Exact Sciences
Classification: Likely benign for ZNF143-related condition. Last evaluated: 2024-12-05. Review status: criteria provided, single submitter. Criteria: ACMG Guidelines, 2015. Collection method: clinical testing. Allele origin: germline.
Comment: This variant is classified as likely benign based on ACMG/AMP sequence variant interpretation guidelines (Richards et al. 2015 PMID: 25741868, with internal and published modifications).